The following is an entry in ClinVar:

NM_024675.4(PALB2):c.2278C>G (p.Leu760Val)

Gene: PALB2 (partner and localizer of BRCA2; minus strand). Cytogenetic location: 16p12.2.
Variant type: single nucleotide variant.
Coding change: c.2278C>G on transcript NM_024675.4 (MANE Select); coding-DNA position 2278, C replaced by G.
Protein change: p.Leu760Val; replaces leucine 760 with valine.
Molecular consequence: missense variant. On other transcripts: intron variant (1).
Genome position (GRCh38, 1-based): chr16:23,629,876, G>C on the plus strand (C>G on the coding strand, the complement: PALB2 is on the minus strand). VCF-style: chr16-23629876-G-C. GRCh37 (hg19) VCF-style: chr16-23641197-G-C.
Other names: c.2218C>G, p.Leu740Val (NM_001407296.1); c.2278C>G, p.Leu760Val (NM_001407297.1, NM_001407298.1, NM_001407299.1 and 3 more transcripts); c.1393C>G, p.Leu465Val (NM_001407304.1, NM_001407305.1, NM_001407306.1 and 5 more transcripts); c.490C>G, p.Leu164Val (NM_001407312.1, NM_001407313.1); c.49-601C>G (NM_001407314.1); short protein forms L740V, L164V, L760V, L465V.
Identifiers: ClinVar variation 3657600 (VCV003657600.2).

ClinVar aggregate classification (germline): Uncertain significance (1 of 4 stars; one submission).

Conditions:
Familial cancer of breast. Also called: Hereditary breast cancer; hereditary breast carcinoma; BREAST CANCER, FAMILIAL. Identifiers: Orphanet 227535, MedGen C0346153, MONDO:0016419, OMIM 114480. Disease mechanism: loss of function.

Submission:

Labcorp Genetics (formerly Invitae), Labcorp
Classification: Uncertain significance for Familial cancer of breast. Last evaluated: 2024-06-24. Review status: criteria provided, single submitter. Criteria: Invitae Variant Classification Sherloc (09022015). Collection method: clinical testing. Allele origin: germline.
Comment: This sequence change replaces leucine, which is neutral and non-polar, with valine, which is neutral and non-polar, at codon 760 of the PALB2 protein (p.Leu760Val). This variant is not present in population databases (gnomAD no frequency). This variant has not been reported in the literature in individuals affected with PALB2-related conditions. Advanced modeling of protein sequence and biophysical properties (such as structural, functional, and spatial information, amino acid conservation, physicochemical variation, residue mobility, and thermodynamic stability) performed at Invitae indicates that this missense variant is not expected to disrupt PALB2 protein function with a negative predictive value of 80%. In summary, the available evidence is currently insufficient to determine the role of this variant in disease. Therefore, it has been classified as a Variant of Uncertain Significance.